The following is an entry in ClinVar:

ClinVar aggregate classification (germline): Uncertain significance. Review status: criteria provided, multiple submitters, no conflicts (2 of 4 stars). 4 submissions from 4 submitters: Uncertain significance (3). 1 of the submissions does not count toward it. Last evaluated 2022-09-01.

Conditions:
Inborn genetic diseases. Identifiers: MedGen C0950123, MeSH D030342.
IFT172-related disorder. Also called: IFT172-related disorders; IFT172-related condition.
Retinitis pigmentosa 71 (RP71). Identifiers: Orphanet 791, MedGen C4225342, MONDO:0014618, OMIM 616394.
Short-rib thoracic dysplasia 10 with or without polydactyly (SRTD10). Identifiers: Orphanet 474, MedGen C3810175, MONDO:0014284, OMIM 615630.

Allele frequency attached by ClinVar (database versions not stated): ExAC 0.00002; TOPMed 0.00002; gnomAD 0.00003 and 0.00004; ESP Exome Variant Server 0.00008.
gnomAD v4.1: 43 of 1,612,940 alleles (0.0027%); highest among the groups gnomAD compares: Non-Finnish European, 0.0034%; no homozygotes.

Submissions (4):

Blueprint Genetics
Classification: Uncertain significance. Last evaluated: 2022-09-01. Review status: criteria provided, single submitter. Criteria: ACMG Guidelines, 2015. Collection method: clinical testing. Allele origin: germline.

Labcorp Genetics (formerly Invitae), Labcorp
Classification: Uncertain significance for Retinitis pigmentosa 71; Short-rib thoracic dysplasia 10 with or without polydactyly. Last evaluated: 2022-06-09. Review status: criteria provided, single submitter. Criteria: Invitae Variant Classification Sherloc (09022015). Collection method: clinical testing. Allele origin: germline.
Comment: This sequence change replaces asparagine, which is neutral and polar, with lysine, which is basic and polar, at codon 324 of the IFT172 protein (p.Asn324Lys). This variant is present in population databases (rs370874046, gnomAD 0.003%). This variant has not been reported in the literature in individuals affected with IFT172-related conditions. Algorithms developed to predict the effect of missense changes on protein structure and function are either unavailable or do not agree on the potential impact of this missense change (SIFT: "Deleterious"; PolyPhen-2: "Benign"; Align-GVGD: "Class C0"). In summary, the available evidence is currently insufficient to determine the role of this variant in disease. Therefore, it has been classified as a Variant of Uncertain Significance.

Ambry Genetics
Classification: Uncertain significance for Inborn genetic diseases. Last evaluated: 2022-05-27. Review status: criteria provided, single submitter. Criteria: Ambry Variant Classification Scheme 2023. Collection method: clinical testing. Allele origin: germline.

PreventionGenetics, part of Exact Sciences
Classification: Uncertain significance for IFT172-related condition. Last evaluated: 2024-02-16. Review status: no assertion criteria provided. Collection method: clinical testing. Allele origin: germline. Not counted in ClinVar's aggregate classification.
Comment: The IFT172 c.972C>G variant is predicted to result in the amino acid substitution p.Asn324Lys. To our knowledge, this variant has not been reported in the literature. This variant is reported in 0.0023% of alleles in individuals of European (Non-Finnish) descent in gnomAD. At this time, the clinical significance of this variant is uncertain due to the absence of conclusive functional and genetic evidence.

NM_015662.3(IFT172):c.972C>G (p.Asn324Lys)

Gene: IFT172 (intraflagellar transport 172; minus strand). Cytogenetic location: 2p23.3.
Variant type: single nucleotide variant.
Coding change: c.972C>G on transcript NM_015662.3 (MANE Select); coding-DNA position 972, C replaced by G.
Protein change: p.Asn324Lys; replaces asparagine 324 with lysine.
Molecular consequence: missense variant.
Genome position (GRCh38, 1-based): chr2:27,479,542, G>C on the plus strand (C>G on the coding strand, the complement: IFT172 is on the minus strand). VCF-style: chr2-27479542-G-C. GRCh37 (hg19) VCF-style: chr2-27702409-G-C.
Other names: c.972C>G (NM_015662.2, NM_015662.1); short protein forms N324K.
Identifiers: ClinVar variation 1499351 (VCV001499351.9), dbSNP rs370874046, ClinGen allele CA1580810.